The following is an entry in ClinVar:

ClinVar aggregate classification (germline): Likely benign (0 of 4 stars; one submission).

Conditions:
SPAG17-related disorder. Also called: SPAG17-related condition.

Allele frequency attached by ClinVar (database versions not stated): gnomAD exomes below 0.00001; ExAC 0.00001; gnomAD 0.00001.
gnomAD v4.1: 5 of 1,591,652 alleles (0.00031%); highest among the groups gnomAD compares: Non-Finnish European, 0.00043%; no homozygotes.

Submission:

PreventionGenetics, part of Exact Sciences
Classification: Likely benign for SPAG17-related condition. Last evaluated: 2019-08-20. Review status: no assertion criteria provided. Collection method: clinical testing. Allele origin: germline.
Comment: This variant is classified as likely benign based on ACMG/AMP sequence variant interpretation guidelines (Richards et al. 2015 PMID: 25741868, with internal and published modifications).

NM_206996.4(SPAG17):c.5873-6T>C

Gene: SPAG17 (sperm associated antigen 17; minus strand). Cytogenetic location: 1p12.
Variant type: single nucleotide variant.
Coding change: c.5873-6T>C on transcript NM_206996.4 (MANE Select); 6 bases into the intron before coding-DNA position 5873, T replaced by C.
Molecular consequence: intron variant.
Genome position (GRCh38, 1-based): chr1:117,981,407, A>G on the plus strand (T>C on the coding strand, the complement: SPAG17 is on the minus strand). VCF-style: chr1-117981407-A-G. GRCh37 (hg19) VCF-style: chr1-118524030-A-G.
Identifiers: ClinVar variation 3052928 (VCV003052928.2), dbSNP rs749515774, ClinGen allele CA1032941.